The following is an entry in ClinVar:

NM_000179.3(MSH6):c.3971A>T (p.Glu1324Val)

Gene: MSH6 (mutS homolog 6; plus strand). Cytogenetic location: 2p16.3.
Variant type: single nucleotide variant.
Coding change: c.3971A>T on transcript NM_000179.3 (MANE Select); coding-DNA position 3971, A replaced by T.
Protein change: p.Glu1324Val; replaces glutamic acid 1324 with valine.
Molecular consequence: missense variant. On other transcripts: nonsense (1), non-coding transcript variant (5), intron variant (1).
Genome position (GRCh38, 1-based): chr2:47,806,621, A>T. VCF-style: chr2-47806621-A-T. GRCh37 (hg19) VCF-style: chr2-48033760-A-T.
Other names: c.3581A>T, p.Glu1194Val (NM_001281492.2); c.3065A>T, p.Glu1022Val (NM_001281493.2, NM_001281494.2, NM_001406811.1 and 6 more transcripts); c.4067A>T, p.Glu1356Val (NM_001406795.1); c.3971A>T, p.Glu1324Val (NM_001406796.1, NM_001406808.1, NM_001406809.1); c.3674A>T, p.Glu1225Val (NM_001406797.1, NM_001406801.1, NM_001406805.1 and 10 more transcripts); c.3797A>T, p.Glu1266Val (NM_001406798.1); c.3446A>T, p.Glu1149Val (NM_001406799.1, NM_001406806.1, NM_001406807.1); c.3958A>T, p.Arg1320Ter (NM_001406800.1); and 9 more; short protein forms E1268V, E251V, E802V, E1036V, E1149V, E1194V, E1298V, E1324V.
Identifiers: ClinVar variation 3913775 (VCV003913775.1).
Genomic context (GRCh38, chr2:47,806,621, plus strand): 5'-GGCTTGCTAATCTCCCAGAGGAAGTTATTCAAAAGGGACATAGAAAAGCAAGAGAATTTG[A>T]GAAGATGAATCAGTCACTACGATTATTTCGGTAACTAACTAACTATAATGGAATTATAAC-3'
Protein context (NP_000170.1, residues 1314-1334): QKGHRKAREF[Glu1324Val]KMNQSLRLFR

ClinVar aggregate classification (germline): Uncertain significance (1 of 4 stars; one submission).

Conditions:
Hereditary cancer-predisposing syndrome. Also called: Hereditary Cancer Syndrome; Hereditary neoplastic syndrome; Neoplastic Syndromes, Hereditary; Tumor predisposition. Identifiers: Orphanet 140162, MedGen C0027672, MeSH D009386, MONDO:0015356.

Submission:

Ambry Genetics
Classification: Uncertain significance for Hereditary cancer-predisposing syndrome. Last evaluated: 2025-04-28. Review status: criteria provided, single submitter. Criteria: Ambry Variant Classification Scheme 2023. Collection method: clinical testing. Allele origin: germline.
Comment: The p.E1324V variant (also known as c.3971A>T), located in coding exon 9 of the MSH6 gene, results from an A to T substitution at nucleotide position 3971. The glutamic acid at codon 1324 is replaced by valine, an amino acid with dissimilar properties. This amino acid position is highly conserved in available vertebrate species. In addition, this alteration is predicted to be deleterious by in silico analysis. Based on the available evidence, the clinical significance of this variant remains unclear.